The following is an entry in ClinVar:

ClinVar aggregate classification (germline): Uncertain significance (1 of 4 stars; one submission).

Conditions:
Adams-Oliver syndrome 5 (AOS5). Identifiers: Orphanet 974, MedGen C4014970, MONDO:0014459, OMIM 616028.

Submission:

Labcorp Genetics (formerly Invitae), Labcorp
Classification: Uncertain significance for Adams-Oliver syndrome 5. Last evaluated: 2025-04-09. Review status: criteria provided, single submitter. Criteria: Invitae Variant Classification Sherloc (09022015). Collection method: clinical testing. Allele origin: germline.
Comment: This sequence change replaces histidine, which is basic and polar, with tyrosine, which is neutral and polar, at codon 171 of the NOTCH1 protein (p.His171Tyr). This variant is not present in population databases (gnomAD no frequency). This variant has not been reported in the literature in individuals affected with NOTCH1-related conditions. Invitae Evidence Modeling of protein sequence and biophysical properties (such as structural, functional, and spatial information, amino acid conservation, physicochemical variation, residue mobility, and thermodynamic stability) indicates that this missense variant is not expected to disrupt NOTCH1 protein function with a negative predictive value of 95%. In summary, the available evidence is currently insufficient to determine the role of this variant in disease. Therefore, it has been classified as a Variant of Uncertain Significance.

NM_017617.5(NOTCH1):c.511C>T (p.His171Tyr)

Gene: NOTCH1 (notch receptor 1; minus strand). Cytogenetic location: 9q34.3.
Variant type: single nucleotide variant.
Coding change: c.511C>T on transcript NM_017617.5 (MANE Select); coding-DNA position 511, C replaced by T.
Protein change: p.His171Tyr; replaces histidine 171 with tyrosine.
Molecular consequence: missense variant.
Genome position (GRCh38, 1-based): chr9:136,523,081, G>A on the plus strand (C>T on the coding strand, the complement: NOTCH1 is on the minus strand). VCF-style: chr9-136523081-G-A. GRCh37 (hg19) VCF-style: chr9-139417533-G-A.
Other names: short protein forms H171Y.
Identifiers: ClinVar variation 4749005 (VCV004749005.1).